The following is an entry in ClinVar:

NM_002528.7(NTHL1):c.430C>A (p.Gln144Lys)

Gene: NTHL1 (nth like DNA glycosylase 1; minus strand). Cytogenetic location: 16p13.3.
Variant type: single nucleotide variant.
Coding change: c.430C>A on transcript NM_002528.7 (MANE Select); coding-DNA position 430, C replaced by A.
Protein change: p.Gln144Lys; replaces glutamine 144 with lysine.
Molecular consequence: missense variant. On other transcripts: intron variant (1).
Genome position (GRCh38, 1-based): chr16:2,044,725, G>T on the plus strand (C>A on the coding strand, the complement: NTHL1 is on the minus strand). VCF-style: chr16-2044725-G-T. GRCh37 (hg19) VCF-style: chr16-2094726-G-T.
Other names: c.355-999C>A (NM_001318193.2); c.100C>A, p.Gln34Lys (NM_001318194.2); short protein forms Q144K, Q34K.
Identifiers: ClinVar variation 3222673 (VCV003222673.1), dbSNP rs776464671, ClinGen allele CA7828261.

ClinVar aggregate classification (germline): Uncertain significance (1 of 4 stars; one submission).

Conditions:
Hereditary cancer-predisposing syndrome. Also called: Tumor predisposition; Hereditary neoplastic syndrome; Hereditary Cancer Syndrome; Neoplastic Syndromes, Hereditary. Identifiers: Orphanet 140162, MedGen C0027672, MeSH D009386, MONDO:0015356.

Allele frequency attached by ClinVar (database versions not stated): gnomAD exomes below 0.00001; ExAC 0.00001.
gnomAD v4.1: 1 of 1,611,792 alleles (0.000062%); highest among the groups gnomAD compares: East Asian, 0.0022%; no homozygotes.

Submission:

Ambry Genetics
Classification: Uncertain significance for Hereditary cancer-predisposing syndrome. Last evaluated: 2023-11-01. Review status: criteria provided, single submitter. Criteria: Ambry Variant Classification Scheme 2023. Collection method: clinical testing. Allele origin: germline.
Comment: The p.Q152K variant (also known as c.454C>A), located in coding exon 3 of the NTHL1 gene, results from a C to A substitution at nucleotide position 454. The glutamine at codon 152 is replaced by lysine, an amino acid with similar properties. This amino acid position is conserved. In addition, this alteration is predicted to be tolerated by in silico analysis. Since supporting evidence is limited at this time, the clinical significance of this alteration remains unclear.